The following is an entry in ClinVar:

NM_001042492.3(NF1):c.7375A>T (p.Lys2459Ter)

Gene: NF1 (neurofibromin 1; plus strand). Cytogenetic location: 17q11.2.
Variant type: single nucleotide variant.
Coding change: c.7375A>T on transcript NM_001042492.3 (MANE Select); coding-DNA position 7375, A replaced by T.
Protein change: p.Lys2459Ter; replaces lysine 2459 with a stop codon.
Molecular consequence: nonsense.
Genome position (GRCh38, 1-based): chr17:31,350,236, A>T. VCF-style: chr17-31350236-A-T. GRCh37 (hg19) VCF-style: chr17-29677254-A-T.
Other names: c.7312A>T, p.Lys2438Ter (NM_000267.4); short protein forms K2459*, K2438*.
Identifiers: ClinVar variation 3879006 (VCV003879006.1).

ClinVar aggregate classification (germline): Pathogenic (1 of 4 stars; one submission).

Conditions:
Cardiovascular phenotype. Identifiers: MedGen CN230736.
Hereditary cancer-predisposing syndrome. Also called: Tumor predisposition; Neoplastic Syndromes, Hereditary; Hereditary Cancer Syndrome; Hereditary neoplastic syndrome. Identifiers: Orphanet 140162, MedGen C0027672, MeSH D009386, MONDO:0015356.

Submission:

Ambry Genetics
Classification: Pathogenic for Cardiovascular phenotype; Hereditary cancer-predisposing syndrome. Last evaluated: 2025-01-09. Review status: criteria provided, single submitter. Criteria: Ambry Variant Classification Scheme 2023. Collection method: clinical testing. Allele origin: germline.
Comment: The p.K2438* pathogenic mutation (also known as c.7312A>T), located in coding exon 49 of the NF1 gene, results from an A to T substitution at nucleotide position 7312. This changes the amino acid from a lysine to a stop codon within coding exon 49. This variant was reported in individual(s) with features consistent with neurofibromatosis type 1 (Ambry internal data). This variant is considered to be rare based on population cohorts in the Genome Aggregation Database (gnomAD). This alteration is expected to result in loss of function by premature protein truncation or nonsense-mediated mRNA decay. As such, this alteration is interpreted as a disease-causing mutation.